The following is an entry in ClinVar:

ClinVar aggregate classification (germline): Uncertain significance (1 of 4 stars; one submission).

Submission:

GeneDx
Classification: Uncertain significance. Last evaluated: 2026-03-28. Review status: criteria provided, single submitter. Criteria: GeneDx Variant Classification Process June 2021. Collection method: clinical testing. Allele origin: germline.
Comment: Not observed at significant frequency in large population cohorts (gnomAD); In silico analysis supports that this missense variant has a deleterious effect on protein structure/function; Has not been previously published as pathogenic or benign to our knowledge

NM_130839.5(UBE3A):c.959A>C (p.Lys320Thr)

Genes: SNHG14 (small nucleolar RNA host gene 14; plus strand), UBE3A (ubiquitin protein ligase E3A; minus strand). Cytogenetic location: 15q11.2.
Variant type: single nucleotide variant.
Coding change: c.959A>C on transcript NM_130839.5 (MANE Select); coding-DNA position 959, A replaced by C.
Protein change: p.Lys320Thr; replaces lysine 320 with threonine.
Molecular consequence: missense variant. On other transcripts: non-coding transcript variant (1), intron variant (2).
Genome position (GRCh38, 1-based): chr15:25,371,215, T>G on the plus strand (A>C on the coding strand, the complement: UBE3A is on the minus strand). VCF-style: chr15-25371215-T-G. GRCh37 (hg19) VCF-style: chr15-25616362-T-G.
Other names: c.899A>C, p.Lys300Thr (NM_001354544.2, NM_001354547.2, NM_001354548.2 and 17 more transcripts); c.959A>C, p.Lys320Thr (NM_001354545.2, NM_001354505.1, NM_001354538.2); c.782A>C, p.Lys261Thr (NM_001354546.2); c.968A>C, p.Lys323Thr (NM_000462.5); c.301+4250A>C (NM_001354551.2); c.361+4250A>C (NM_001354550.2); short protein forms K261T, K300T, K320T, K323T.
Identifiers: ClinVar variation 5017056 (VCV005017056.1).